The following is an entry in ClinVar:

ClinVar aggregate classification (germline): Uncertain significance (1 of 4 stars; one submission).

Conditions:
Early-infantile DEE. Also called: Early infantile epileptic encephalopathy with suppression bursts; Early infantile epileptic encephalopathy; Ohtahara syndrome. Identifiers: Orphanet 1934, MedGen C0393706, MONDO:0800491.

Submission:

Labcorp Genetics (formerly Invitae), Labcorp
Classification: Uncertain significance for Early-infantile DEE. Last evaluated: 2022-09-04. Review status: criteria provided, single submitter. Criteria: Invitae Variant Classification Sherloc (09022015). Collection method: clinical testing. Allele origin: germline.
Comment: In summary, the available evidence is currently insufficient to determine the role of this variant in disease. Therefore, it has been classified as a Variant of Uncertain Significance. Algorithms developed to predict the effect of missense changes on protein structure and function are either unavailable or do not agree on the potential impact of this missense change (SIFT: "Deleterious"; PolyPhen-2: "Benign"; Align-GVGD: "Class C0"). This variant has not been reported in the literature in individuals affected with SCN8A-related conditions. This variant is not present in population databases (gnomAD no frequency). This sequence change replaces isoleucine, which is neutral and non-polar, with leucine, which is neutral and non-polar, at codon 114 of the SCN8A protein (p.Ile114Leu).

NM_001330260.2(SCN8A):c.340A>C (p.Ile114Leu)

Gene: SCN8A (sodium voltage-gated channel alpha subunit 8; plus strand). Cytogenetic location: 12q13.13.
Variant type: single nucleotide variant.
Coding change: c.340A>C on transcript NM_001330260.2 (MANE Select); coding-DNA position 340, A replaced by C.
Protein change: p.Ile114Leu; replaces isoleucine 114 with leucine.
Molecular consequence: missense variant.
Genome position (GRCh38, 1-based): chr12:51,684,237, A>C. VCF-style: chr12-51684237-A-C. GRCh37 (hg19) VCF-style: chr12-52078021-A-C.
Other names: c.340A>C, p.Ile114Leu (NM_001177984.3, NM_001369788.1, NM_014191.4); short protein forms I114L.
Identifiers: ClinVar variation 1718822 (VCV001718822.5), dbSNP rs527246057, ClinGen allele CA385221023.
Genomic context (GRCh38, chr12:51,684,237, plus strand): 5'-TTTGTAGTATTAAACAGAGGGAAAACTCTCTTCAGATTTAGTGCCACGCCTGCCTTGTAC[A>C]TTTTAAGTCCTTTTAACCTGATAAGAAGAATAGCTATTAAAATTTTGATACATTCATATC-3'
Protein context (NP_001317189.1, residues 104-124): FRFSATPALY[Ile114Leu]LSPFNLIRRI